The following is an entry in ClinVar:

NM_001010892.3(RSPH4A):c.308A>T (p.Asp103Val)

Gene: RSPH4A (radial spoke head component 4A; plus strand). Cytogenetic location: 6q22.1.
Variant type: single nucleotide variant.
Coding change: c.308A>T on transcript NM_001010892.3 (MANE Select); coding-DNA position 308, A replaced by T.
Protein change: p.Asp103Val; replaces aspartic acid 103 with valine.
Molecular consequence: missense variant.
Genome position (GRCh38, 1-based): chr6:116,616,931, A>T. VCF-style: chr6-116616931-A-T. GRCh37 (hg19) VCF-style: chr6-116938094-A-T.
Other names: c.308A>T, p.Asp103Val (NM_001161664.2); short protein forms D103V.
Identifiers: ClinVar variation 4731695 (VCV004731695.1).
Genomic context (GRCh38, chr6:116,616,931, plus strand): 5'-CTCCTGTCTCTCCGCGGGAGCCCTCTTCCTCTCCTTCTCCCCTGGCTCCGGCCAGACAAG[A>T]CCTCGCGGCACCACCTCAGTCGGACAGGACCACGAGTGTGATTCCTGAAGCTGGGACACC-3'
Protein context (NP_001010892.1, residues 93-113): SPSPLAPARQ[Asp103Val]LAAPPQSDRT

ClinVar aggregate classification (germline): Uncertain significance (1 of 4 stars; one submission).

Conditions:
Primary ciliary dyskinesia. Also called: Ciliary dyskinesia. Identifiers: Orphanet 244, MedGen C0008780, MONDO:0016575, HP:0012265.

gnomAD v4.1: 4 of 1,614,014 alleles (0.00025%); highest among the groups gnomAD compares: East Asian, 0.0089%; no homozygotes.

Submission:

Labcorp Genetics (formerly Invitae), Labcorp
Classification: Uncertain significance for Primary ciliary dyskinesia. Last evaluated: 2025-11-27. Review status: criteria provided, single submitter. Criteria: Invitae Variant Classification Sherloc (09022015). Collection method: clinical testing. Allele origin: germline.
Comment: This sequence change replaces aspartic acid, which is acidic and polar, with valine, which is neutral and non-polar, at codon 103 of the RSPH4A protein (p.Asp103Val). This variant is present in population databases (no rsID available, gnomAD 0.01%). This variant has not been reported in the literature in individuals affected with RSPH4A-related conditions. An algorithm developed to predict the effect of missense changes on protein structure and function (PolyPhen-2) suggests that this variant is likely to be disruptive. In summary, the available evidence is currently insufficient to determine the role of this variant in disease. Therefore, it has been classified as a Variant of Uncertain Significance.